The following is an entry in ClinVar:

NM_000138.5(FBN1):c.4367G>T (p.Cys1456Phe)

Gene: FBN1 (fibrillin 1; minus strand). Cytogenetic location: 15q21.1.
Variant type: single nucleotide variant.
Coding change: c.4367G>T on transcript NM_000138.5 (MANE Select); coding-DNA position 4367, G replaced by T.
Protein change: p.Cys1456Phe; replaces cysteine 1456 with phenylalanine.
Molecular consequence: missense variant.
Genome position (GRCh38, 1-based): chr15:48,470,726, C>A on the plus strand (G>T on the coding strand, the complement: FBN1 is on the minus strand). VCF-style: chr15-48470726-C-A. GRCh37 (hg19) VCF-style: chr15-48762923-C-A.
Other names: short protein forms C1456F.
Identifiers: ClinVar variation 406329 (VCV000406329.9), dbSNP rs397515805, ClinGen allele CA16614429.

ClinVar aggregate classification (germline): Likely pathogenic. Review status: criteria provided, multiple submitters, no conflicts (2 of 4 stars). 2 submissions from 2 submitters: Likely pathogenic (2). Last evaluated 2024-08-31.

Conditions:
Marfan syndrome (MFS). Also called: Marfan syndrome, classic; Marfan syndrome type 1; Marfan's syndrome; MARFAN SYNDROME, TYPE I; FBN1-Related Marfan Syndrome. Identifiers: Orphanet 284963, Orphanet 558, MedGen C0024796, MONDO:0007947, OMIM 154700.
Familial thoracic aortic aneurysm and aortic dissection (TAAD). Also called: Thoracic aortic aneurysms and dissections. Identifiers: Orphanet 91387, MedGen C4707243, MONDO:0019625.

Submissions (2):

All of Us Research Program, National Institutes of Health
Classification: Likely pathogenic for Marfan syndrome. Last evaluated: 2024-08-31. Review status: criteria provided, single submitter. Criteria: ACMG Guidelines, 2015. Collection method: clinical testing. Allele origin: germline. Inheritance: Autosomal dominant inheritance. Observed: 1 variant allele, 1 heterozygote.
Comment: The c.4367G>T (p.Cys1456Phe) variant in FBN1 gene that encodes for fibrillin 1, has not been reported in individuals with FBN1-related conditions in the published literature. This variant affects a cysteine residue in the calcium binding EGF-like (cbEGF21) domain (PMID: 12938084, 17627385). Cysteine residues are believed to be involved in intramolecular disulfide bridges and have been shown to be critical for FBN1 protein structure (PMID: 16905551, 19349279). In-silico computational prediction tools suggest that this variant may have deleterious effect on the protein function (REVEL score: 0.961). This variant is absent in the general population database gnomAD and interpreted as likely pathogenic by one ClinVar submitter (ClinVar ID: 406329). Other missense variants affecting the same amino acid residue (p.Cys1456Ser, p.Cys1456Tyr, p.Cys1456Gly, p.Cys1456Arg) have been observed in multiple individuals with Marfan syndrome/marfanoid features and classified as likely pathogenic or pathogenic by multiple ClinVar submitters (ClinVar ID: 42360, 42357, 1740052, 982320). Therefore, the c.4367G>T (p.Cys1456Phe) variant in FBN1 gene is classified as likely pathogenic.

This study involves interpretation of variants in research participants for the purpose of population health screening. Participant phenotype was not available at the time of variant classification. Additional details can be found in publication PMID: 35346344, PMCID: PMC8962531

Labcorp Genetics (formerly Invitae), Labcorp
Classification: Likely pathogenic for Marfan syndrome; Familial thoracic aortic aneurysm and aortic dissection. Last evaluated: 2022-07-19. Review status: criteria provided, single submitter. Criteria: Invitae Variant Classification Sherloc (09022015). Collection method: clinical testing. Allele origin: germline.
Comment: This variant affects a cysteine residue in the EGF-like, TGFBP or hybrid motif domains of FBN1. Cysteine residues are believed to be involved in intramolecular disulfide bridges and have been shown to be important for FBN1 protein structure (PMID: 16905551, 19349279). In addition, missense substitutions affecting cysteine residues within these domains are significantly overrepresented among patients with Marfan syndrome (PMID: 16571647, 17701892). In summary, the currently available evidence indicates that the variant is pathogenic, but additional data are needed to prove that conclusively. Therefore, this variant has been classified as Likely Pathogenic. This variant disrupts the p.Cys1456 amino acid residue in FBN1. Other variant(s) that disrupt this residue have been observed in individuals with FBN1-related conditions (PMID: 19293843, 31098894, 33824467), which suggests that this may be a clinically significant amino acid residue. Advanced modeling of protein sequence and biophysical properties (such as structural, functional, and spatial information, amino acid conservation, physicochemical variation, residue mobility, and thermodynamic stability) performed at Invitae indicates that this missense variant is expected to disrupt FBN1 protein function. ClinVar contains an entry for this variant (Variation ID: 406329). This missense change has been observed in individual(s) with clinical features of FBN1-related conditions (Invitae). This variant is not present in population databases (gnomAD no frequency). This sequence change replaces cysteine, which is neutral and slightly polar, with phenylalanine, which is neutral and non-polar, at codon 1456 of the FBN1 protein (p.Cys1456Phe).

Literature cited by the submitters: PubMed 12938084 (cited by All of Us Research Program, National Institutes of Health); PubMed 16905551 (cited by All of Us Research Program, National Institutes of Health and Labcorp Genetics (formerly Invitae), Labcorp); PubMed 17627385 (cited by All of Us Research Program, National Institutes of Health); PubMed 19349279 (cited by All of Us Research Program, National Institutes of Health and Labcorp Genetics (formerly Invitae), Labcorp); PubMed 16571647 (cited by Labcorp Genetics (formerly Invitae), Labcorp); PubMed 17701892 (cited by Labcorp Genetics (formerly Invitae), Labcorp); PubMed 19293843 (cited by Labcorp Genetics (formerly Invitae), Labcorp); PubMed 31098894 (cited by Labcorp Genetics (formerly Invitae), Labcorp); PubMed 33824467 (cited by Labcorp Genetics (formerly Invitae), Labcorp).